The following is an entry in ClinVar:

NM_002772.3(TMPRSS15):c.1949G>A (p.Cys650Tyr)

Gene: TMPRSS15 (transmembrane serine protease 15; minus strand). Cytogenetic location: 21q21.1.
Variant type: single nucleotide variant.
Coding change: c.1949G>A on transcript NM_002772.3 (MANE Select); coding-DNA position 1949, G replaced by A.
Protein change: p.Cys650Tyr; replaces cysteine 650 with tyrosine.
Molecular consequence: missense variant.
Genome position (GRCh38, 1-based): chr21:18,315,229, C>T on the plus strand (G>A on the coding strand, the complement: TMPRSS15 is on the minus strand). VCF-style: chr21-18315229-C-T. GRCh37 (hg19) VCF-style: chr21-19687546-C-T.
Other names: c.2084G>A, p.Cys695Tyr (NM_001428056.1); c.1949G>A, p.Cys650Tyr (NM_001428057.1); c.1949G>A (NM_002772.2); short protein forms C650Y, C695Y.
Identifiers: ClinVar variation 3696126 (VCV003696126.2).

ClinVar aggregate classification (germline): Uncertain significance. Review status: criteria provided, multiple submitters, no conflicts (2 of 4 stars). 2 submissions from 2 submitters: Uncertain significance (2). Last evaluated 2025-08-14.

gnomAD v4.1: 58 of 1,613,470 alleles (0.0036%); highest among the groups gnomAD compares: Non-Finnish European, 0.0045%; 1 homozygote.

Submissions (2):

Ambry Genetics
Classification: Uncertain significance. Last evaluated: 2025-08-14. Review status: criteria provided, single submitter. Criteria: Ambry Variant Classification Scheme 2023. Collection method: clinical testing. Allele origin: germline.

Labcorp Genetics (formerly Invitae), Labcorp
Classification: Uncertain significance. Last evaluated: 2024-06-03. Review status: criteria provided, single submitter. Criteria: Invitae Variant Classification Sherloc (09022015). Collection method: clinical testing. Allele origin: germline.
Comment: This sequence change replaces cysteine, which is neutral and slightly polar, with tyrosine, which is neutral and polar, at codon 650 of the TMPRSS15 protein (p.Cys650Tyr). This variant is present in population databases (rs778026112, gnomAD 0.008%). This variant has not been reported in the literature in individuals affected with TMPRSS15-related conditions. An algorithm developed to predict the effect of missense changes on protein structure and function (PolyPhen-2) suggests that this variant is likely to be disruptive. In summary, the available evidence is currently insufficient to determine the role of this variant in disease. Therefore, it has been classified as a Variant of Uncertain Significance.